The following is an entry in ClinVar:

NM_014991.6(WDFY3):c.5188+3A>G

Gene: WDFY3 (WD repeat and FYVE domain containing 3; minus strand). Cytogenetic location: 4q21.23.
Variant type: single nucleotide variant.
Coding change: c.5188+3A>G on transcript NM_014991.6 (MANE Select); 3 bases into the intron after coding-DNA position 5188, A replaced by G.
Molecular consequence: intron variant.
Genome position (GRCh38, 1-based): chr4:84,765,807, T>C on the plus strand (A>G on the coding strand, the complement: WDFY3 is on the minus strand). VCF-style: chr4-84765807-T-C. GRCh37 (hg19) VCF-style: chr4-85686960-T-C.
Identifiers: ClinVar variation 4530949 (VCV004530949.1).

ClinVar aggregate classification (germline): Uncertain significance (1 of 4 stars; one submission).

gnomAD v4.1: 1 of 1,612,894 alleles (0.000062%); highest among the groups gnomAD compares: Non-Finnish European, 0.000085%; no homozygotes.

Submission:

GeneDx
Classification: Uncertain significance. Last evaluated: 2025-05-22. Review status: criteria provided, single submitter. Criteria: GeneDx Variant Classification Process June 2021. Collection method: clinical testing. Allele origin: germline. Affected: yes.
Comment: Not observed at significant frequency in large population cohorts (gnomAD); In silico analysis supports a deleterious effect on splicing; Has not been previously published as pathogenic or benign to our knowledge